The following is an entry in ClinVar:

ClinVar aggregate classification (germline): Likely pathogenic (1 of 4 stars; one submission).

Conditions:
Hereditary cancer-predisposing syndrome. Also called: Neoplastic Syndromes, Hereditary; Hereditary Cancer Syndrome; Tumor predisposition; Hereditary neoplastic syndrome. Identifiers: Orphanet 140162, MedGen C0027672, MeSH D009386, MONDO:0015356.

Submission:

Labcorp Genetics (formerly Invitae), Labcorp
Classification: Likely pathogenic for Hereditary cancer-predisposing syndrome. Last evaluated: 2018-04-03. Review status: criteria provided, single submitter. Criteria: Invitae Variant Classification Sherloc (09022015). Collection method: clinical testing. Allele origin: germline.
Comment: This variant results in a copy number gain of the genomic region encompassing exonsÂ¬â€ 22-24Â¬â€ of the RAD50 gene. While the exact position of this variant cannot be determined from this data, sub-genic copy number gains are generally in tandem (PMID: 25640679) and may result in an absent or disrupted protein product. While a duplication of exons 22-24 has not been reported in the literature, duplication of exon 23 has been observed in an individual with RAD50-related disease and has been classified as likely pathogenic in the Invitae database. Loss-of-function variants in RAD50 are known to be pathogenic (PMID: 16385572, 19409520). In summary, the currently available evidence indicates that the variant is pathogenic, but additional data are needed to prove that conclusively. Therefore, this variant has been classified as Likely Pathogenic.

NC_000005.9:g.(?_131972801)_(131976503_?)dup

Genes: TH2-LCR (Th2 cytokine locus control region; plus strand), TH2LCRR (T helper type 2 locus control region associated RNA; minus strand), RAD50 (RAD50 double strand break repair protein; plus strand). Cytogenetic location: 5q31.1.
Variant type: Duplication.
Identifiers: ClinVar variation 584417 (VCV000584417.1).